The following is an entry in ClinVar:

NM_025233.7(COASY):c.403C>T (p.Arg135Cys)

Gene: COASY (Coenzyme A synthase; plus strand). Cytogenetic location: 17q21.2.
Variant type: single nucleotide variant.
Coding change: c.403C>T on transcript NM_025233.7 (MANE Select); coding-DNA position 403, C replaced by T.
Protein change: p.Arg135Cys; replaces arginine 135 with cysteine.
Molecular consequence: missense variant.
Genome position (GRCh38, 1-based): chr17:42,563,025, C>T. VCF-style: chr17-42563025-C-T. GRCh37 (hg19) VCF-style: chr17-40715043-C-T.
Other names: c.403C>T, p.Arg135Cys (NM_001042529.3); c.490C>T, p.Arg164Cys (NM_001042532.4); c.403C>T (NM_025233.6); c.490C>T (NM_001042532.2); short protein forms R135C, R164C.
Identifiers: ClinVar variation 2199142 (VCV002199142.8), dbSNP rs528587865, ClinGen allele CA8577972.

ClinVar aggregate classification (germline): Uncertain significance. Review status: criteria provided, multiple submitters, no conflicts (2 of 4 stars). 3 submissions from 3 submitters: Uncertain significance (3). Last evaluated 2025-07-02.

Conditions:
Neurodegeneration with brain iron accumulation 6 (NBIA6). Also called: COASY protein-associated neurodegeneration. Identifiers: Orphanet 397725, MedGen C4517377, MONDO:0014290, OMIM 615643.

Allele frequency attached by ClinVar (database versions not stated): gnomAD exomes 0.00001; ExAC 0.00002; gnomAD 0.00006; TOPMed 0.00009; 1000 Genomes Project 30x 0.00016; 1000 Genomes Project 0.00020.

Submissions (3):

Ambry Genetics
Classification: Uncertain significance. Last evaluated: 2025-07-02. Review status: criteria provided, single submitter. Criteria: Ambry Variant Classification Scheme 2023. Collection method: clinical testing. Allele origin: germline.

GeneDx
Classification: Uncertain significance. Last evaluated: 2025-04-21. Review status: criteria provided, single submitter. Criteria: GeneDx Variant Classification Process June 2021. Collection method: clinical testing. Allele origin: germline. Affected: yes.
Comment: In silico analysis indicates that this missense variant does not alter protein structure/function; Has not been previously published as pathogenic or benign to our knowledge

Labcorp Genetics (formerly Invitae), Labcorp
Classification: Uncertain significance for Neurodegeneration with brain iron accumulation 6. Last evaluated: 2023-08-17. Review status: criteria provided, single submitter. Criteria: Invitae Variant Classification Sherloc (09022015). Collection method: clinical testing. Allele origin: germline.
Comment: This sequence change replaces arginine, which is basic and polar, with cysteine, which is neutral and slightly polar, at codon 135 of the COASY protein (p.Arg135Cys). In summary, the available evidence is currently insufficient to determine the role of this variant in disease. Therefore, it has been classified as a Variant of Uncertain Significance. Advanced modeling of protein sequence and biophysical properties (such as structural, functional, and spatial information, amino acid conservation, physicochemical variation, residue mobility, and thermodynamic stability) performed at Invitae indicates that this missense variant is not expected to disrupt COASY protein function. ClinVar contains an entry for this variant (Variation ID: 2199142). This variant has not been reported in the literature in individuals affected with COASY-related conditions. This variant is present in population databases (rs528587865, gnomAD 0.02%).